The following is an entry in ClinVar:

NM_022834.5(VWA1):c.94C>T (p.Arg32Ter)

Gene: VWA1 (von Willebrand factor A domain containing 1; plus strand). Cytogenetic location: 1p36.33.
Variant type: single nucleotide variant.
Coding change: c.94C>T on transcript NM_022834.5 (MANE Select); coding-DNA position 94, C replaced by T.
Protein change: p.Arg32Ter; replaces arginine 32 with a stop codon.
Molecular consequence: nonsense. On other transcripts: intron variant (1).
Genome position (GRCh38, 1-based): chr1:1,436,947, C>T. VCF-style: chr1-1436947-C-T. GRCh37 (hg19) VCF-style: chr1-1372327-C-T.
Other names: c.74-375C>T (NM_199121.3); short protein forms R32*.
Identifiers: ClinVar variation 830326 (VCV000830326.6), dbSNP rs762573767, ClinGen allele CA523031.

ClinVar aggregate classification (germline): Likely pathogenic. Review status: criteria provided, single submitter (1 of 4 stars). 3 submissions from 3 submitters: Likely pathogenic (1). 2 of the submissions do not count toward it. Last evaluated 2023-07-19.

Conditions:
Neuronopathy, distal hereditary motor, autosomal recessive 7. Also called: NEUROPATHY, DISTAL HEREDITARY MOTOR, AUTOSOMAL RECESSIVE 7; NEUROPATHY, HEREDITARY MOTOR, WITH MYOPATHIC FEATURES. Identifiers: MedGen C5543119, MONDO:0030977, OMIM 619216.
VWA1-related disorder. Also called: VWA1-related condition.
Neuromuscular disease. Also called: Neuromuscular disorder; Neuromyopathy. Identifiers: Orphanet 68381, MedGen C0027868, MeSH D009468, MONDO:0019056.

Allele frequency attached by ClinVar (database versions not stated): TOPMed 0.00001.
gnomAD v4.1: 25 of 1,607,494 alleles (0.0016%); highest among the groups gnomAD compares: South Asian, 0.0044%; no homozygotes.

Submissions (3):

PreventionGenetics, part of Exact Sciences
Classification: Likely pathogenic for VWA1-related condition. Last evaluated: 2023-07-19. Review status: criteria provided, single submitter. Criteria: ACMG Guidelines, 2015. Collection method: clinical testing. Allele origin: germline.
Comment: The VWA1 c.94C>T variant is predicted to result in premature protein termination (p.Arg32*). This variant has been reported in the compound heterozygous state in an individual with neuromyopathy (Table 1, Deschauer et al. 2021. PubMed ID: 33459760). This variant is reported in 0.019% of alleles in individuals of African descent in gnomAD. Nonsense variants in VWA1 are expected to be pathogenic. This variant is interpreted as likely pathogenic.

OMIM
Classification: Pathogenic for NEURONOPATHY, DISTAL HEREDITARY MOTOR, AUTOSOMAL RECESSIVE 7. Last evaluated: 2023-10-17. Review status: no assertion criteria provided. Collection method: literature only. Allele origin: germline. Not counted in ClinVar's aggregate classification.

Section for Clinical Neurogenetics, University of Tübingen
Classification: Likely pathogenic for Neuromyopathy. Last evaluated: 2020-01-01. Review status: no assertion criteria provided. Collection method: research. Allele origin: germline. Affected: yes. Not counted in ClinVar's aggregate classification.

Literature cited by the submitters: PubMed 33459760 (cited by OMIM).